The following is an entry in ClinVar:

ClinVar aggregate classification (germline): Benign (1 of 4 stars; one submission).

Allele frequency attached by ClinVar (database versions not stated): 1000 Genomes Project 30x 0.17864; 1000 Genomes Project 0.18051; TOPMed 0.25221; gnomAD 0.28310; ESP Exome Variant Server 0.28570; ExAC 0.37431.
gnomAD v4.1: 515,460 of 1,329,962 alleles (39%); highest among the groups gnomAD compares: Non-Finnish European, 44%; 101,820 homozygotes.

Submission:

Unidad de Genómica Garrahan, Hospital de Pediatría Garrahan
Classification: Benign. Last evaluated: 2024-01-24. Review status: criteria provided, single submitter. Criteria: ACMG Guidelines, 2015. Collection method: clinical testing. Allele origin: germline. Affected: no. Observed: 44 variant alleles.
Comment: This variant is classified as Benign based on local population frequency. This variant was detected in 50% of patients studied by a panel of primary immunodeficiencies. Number of patients: 44. Only high quality variants are reported.

NM_005535.3(IL12RB1):c.1983+24C>T

Gene: IL12RB1 (interleukin 12 receptor subunit beta 1; minus strand). Cytogenetic location: 19p13.11.
Variant type: single nucleotide variant.
Coding change: c.1983+24C>T on transcript NM_005535.3 (MANE Select); 24 bases into the intron after coding-DNA position 1983, C replaced by T.
Molecular consequence: intron variant.
Genome position (GRCh38, 1-based): chr19:18,059,870, G>A on the plus strand (C>T on the coding strand, the complement: IL12RB1 is on the minus strand). VCF-style: chr19-18059870-G-A. GRCh37 (hg19) VCF-style: chr19-18170680-G-A.
Other names: c.2103+24C>T (NM_001290024.2); c.1970+37C>T (NM_001290023.2); c.1991+37C>T (NM_001440425.1); c.2004+24C>T (NM_001440424.1).
Identifiers: ClinVar variation 2688417 (VCV002688417.2), dbSNP rs17882555, ClinGen allele CA9304640.